The following is an entry in ClinVar:

ClinVar aggregate classification (germline): Likely benign. Review status: criteria provided, multiple submitters, no conflicts (2 of 4 stars). 8 submissions from 8 submitters: Likely benign (8). Last evaluated 2026-09-01.

Conditions:
FLNC-related disorder. Also called: FLNC-related condition; FLNC-related disorders.
Cardiovascular phenotype. Identifiers: MedGen CN230736.
Distal myopathy with posterior leg and anterior hand involvement. Also called: WILLIAMS DISTAL MYOPATHY. Identifiers: Orphanet 63273, MedGen C3279722, MONDO:0013550, OMIM 614065.
Hypertrophic cardiomyopathy 26. Also called: Cardiomyopathy, familial hypertrophic, 26. Identifiers: Orphanet 75249, MedGen C4310749, MONDO:0014883, OMIM 617047.
Myofibrillar myopathy 5. Also called: Filaminopathy (type); FILAMINOPATHY, AUTOSOMAL DOMINANT. Identifiers: Orphanet 171445, MedGen C1836050, MONDO:0012289, OMIM 609524.

Allele frequency attached by ClinVar (database versions not stated): ExAC 0.00002; gnomAD exomes 0.00003 and 0.00009; gnomAD 0.00024; TOPMed 0.00025.
gnomAD v4.1: 84 of 1,613,282 alleles (0.0052%); highest among the groups gnomAD compares: Admixed American, 0.093%; no homozygotes.

Submissions (8):

CeGaT Center for Human Genetics Tuebingen
Classification: Likely benign. Last evaluated: 2026-09-01. Review status: criteria provided, single submitter. Criteria: CeGaT Center For Human Genetics Tuebingen Variant Classification Criteria Version 2. Collection method: clinical testing. Allele origin: germline. Affected: yes. Observed: 1 variant allele.
Comment: FLNC: BP4, BP7

PreventionGenetics, part of Exact Sciences
Classification: Likely benign for FLNC-related condition. Last evaluated: 2026-05-18. Review status: criteria provided, single submitter. Criteria: ACMG Guidelines, 2015. Collection method: clinical testing. Allele origin: germline.
Comment: This variant is classified as likely benign based on ACMG/AMP sequence variant interpretation guidelines (Richards et al. 2015 PMID: 25741868, with internal and published modifications).

Labcorp Genetics (formerly Invitae), Labcorp
Classification: Likely benign for Distal myopathy with posterior leg and anterior hand involvement; Myofibrillar myopathy 5; Hypertrophic cardiomyopathy 26. Last evaluated: 2025-12-29. Review status: criteria provided, single submitter. Criteria: Invitae Variant Classification Sherloc (09022015). Collection method: clinical testing. Allele origin: germline.

Mayo Clinic Laboratories, Mayo Clinic
Classification: Likely benign. Last evaluated: 2025-07-29. Review status: criteria provided, single submitter. Criteria: ACMG Guidelines, 2015. Collection method: clinical testing. Allele origin: germline. Observed: 1 variant allele.
Comment: BP4, BP7

Molecular Diagnostic Laboratory for Inherited Cardiovascular Disease, Montreal Heart Institute
Classification: Likely benign. Last evaluated: 2025-04-09. Review status: criteria provided, single submitter. Criteria: ACMG Guidelines, 2015. Collection method: clinical testing. Allele origin: germline. Affected: no.

Blueprint Genetics
Classification: Likely benign. Last evaluated: 2024-03-15. Review status: criteria provided, single submitter. Criteria: ACMG Guidelines, 2015. Collection method: clinical testing. Allele origin: germline.

GeneDx
Classification: Likely benign. Last evaluated: 2021-10-28. Review status: criteria provided, single submitter. Criteria: GeneDx Variant Classification Process June 2021. Collection method: clinical testing. Allele origin: germline. Affected: yes.

Ambry Genetics
Classification: Likely benign for Cardiovascular phenotype. Last evaluated: 2020-07-08. Review status: criteria provided, single submitter. Criteria: Ambry Variant Classification Scheme 2023. Collection method: clinical testing. Allele origin: germline.

NM_001458.5(FLNC):c.4695C>T (p.Asp1565=)

Gene: FLNC (filamin C; plus strand). Cytogenetic location: 7q32.1.
Variant type: single nucleotide variant.
Coding change: c.4695C>T on transcript NM_001458.5 (MANE Select); coding-DNA position 4695, C replaced by T.
Protein change: p.Asp1565=; no amino-acid change (aspartic acid 1565 retained).
Molecular consequence: synonymous variant.
Genome position (GRCh38, 1-based): chr7:128,848,675, C>T. VCF-style: chr7-128848675-C-T. GRCh37 (hg19) VCF-style: chr7-128488729-C-T.
Other names: p.Asp1565=; c.4695C>T, p.Asp1565= (NM_001127487.2).
Identifiers: ClinVar variation 472075 (VCV000472075.23), dbSNP rs769871754, ClinGen allele CA4475423.